The following is an entry in ClinVar:

ClinVar aggregate classification (germline): Conflicting classifications of pathogenicity. Review status: criteria provided, conflicting classifications (1 of 4 stars). 11 submissions from 11 submitters: Uncertain significance (8); Likely benign (3). Last evaluated 2026-02-03.

Conditions:
Isolated focal cortical dysplasia type II (FCORD2). Also called: Focal cortical dysplasia type II; CORTICAL DYSPLASIA OF TAYLOR. Identifiers: Orphanet 268994, MedGen C1846385, MONDO:0011818, OMIM 607341, HP:0032051.
Lymphangiomyomatosis (LAM). Also called: Lymphangioleiomyomatosis; Lymphangioleiomyomatosis, somatic. Identifiers: Orphanet 538, MedGen C0751674, MONDO:0011705, OMIM 606690.
Tuberous sclerosis 2 (TSC2). Identifiers: Orphanet 805, MedGen C1860707, MONDO:0013199, OMIM 613254.
TSC2-related disorder. Also called: TSC2-related condition; TSC2-Related Disorders.
Hereditary cancer-predisposing syndrome. Also called: Neoplastic Syndromes, Hereditary; Tumor predisposition; Hereditary neoplastic syndrome; Hereditary Cancer Syndrome. Identifiers: Orphanet 140162, MedGen C0027672, MeSH D009386, MONDO:0015356.
Tuberous sclerosis syndrome (TSC). Also called: Tuberous Sclerosis Complex; Tuberous sclerosis. Identifiers: Orphanet 805, MedGen C0041341, MONDO:0001734.

Allele frequency attached by ClinVar (database versions not stated): gnomAD 0.00001; TOPMed 0.00001; ExAC 0.00002; gnomAD exomes 0.00002.
gnomAD v4.1: 36 of 1,614,138 alleles (0.0022%); highest among the groups gnomAD compares: Non-Finnish European, 0.0029%; no homozygotes.

Submissions (11):

Labcorp Genetics (formerly Invitae), Labcorp
Classification: Likely benign for Tuberous sclerosis 2. Last evaluated: 2026-02-03. Review status: criteria provided, single submitter. Criteria: Invitae Variant Classification Sherloc (09022015). Collection method: clinical testing. Allele origin: germline.

PreventionGenetics, part of Exact Sciences
Classification: Uncertain significance for TSC2-related condition. Last evaluated: 2025-07-25. Review status: criteria provided, single submitter. Criteria: ACMG Guidelines, 2015. Collection method: clinical testing. Allele origin: germline.
Comment: The TSC2 c.560A>G variant is predicted to result in the amino acid substitution p.Asn187Ser. To our knowledge, this variant has not been reported in the literature. This variant is reported in 0.0035% of alleles in individuals of European (Non-Finnish) descent in gnomAD and has conflicting interpretations of pathogenicity ranging from uncertain to likely benign in the ClinVar database (Variation ID: 184186). Although we suspect this variant may be benign, at this time, the clinical significance of this variant is uncertain due to the absence of conclusive functional and genetic evidence.

Color Diagnostics, LLC DBA Color Health
Classification: Uncertain significance for Tuberous sclerosis syndrome. Last evaluated: 2025-06-13. Review status: criteria provided, single submitter. Criteria: ACMG Guidelines, 2015. Collection method: clinical testing. Allele origin: germline.
Comment: This missense variant replaces asparagine with serine at codon 187 of the TSC2 protein. Computational prediction suggests that this variant may have deleterious impact on protein structure and function. To our knowledge, functional studies have not been reported for this variant. This variant has not been reported in individuals affected with TSC2-related disorders in the literature. This variant has been identified in 5/251496 chromosomes in the general population by the Genome Aggregation Database (gnomAD). The available evidence is insufficient to determine the role of this variant in disease conclusively. Therefore, this variant is classified as a Variant of Uncertain Significance.

Quest Diagnostics Nichols Institute San Juan Capistrano
Classification: Uncertain significance. Last evaluated: 2024-10-22. Review status: criteria provided, single submitter. Criteria: Quest Diagnostics criteria. Collection method: clinical testing. Allele origin: unknown.
Comment: The TSC2 c.560A>G (p.Asn187Ser) variant has not been reported in individuals with TSC2-related conditions in the published literature. However, the variant has been observed in a cohort of individuals with T-cell acute lymphoblastic leukemia (PMID: 31721781 (2019)). The frequency of this variant in the general population, 0.000035 (4/113770 chromosomes (Genome Aggregation Database)), is uninformative in the assessment of its pathogenicity. Analysis of this variant using bioinformatics tools for the prediction of the effect of amino acid changes on protein structure and function yielded conflicting predictions that this variant is benign or damaging. Based on the available information, we are unable to determine the clinical significance of this variant.

Blueprint Genetics
Classification: Likely benign. Last evaluated: 2024-06-07. Review status: criteria provided, single submitter. Criteria: ACMG Guidelines, 2015. Collection method: clinical testing. Allele origin: germline.

All of Us Research Program, National Institutes of Health
Classification: Uncertain significance for Tuberous sclerosis syndrome. Last evaluated: 2024-02-05. Review status: criteria provided, single submitter. Criteria: ACMG Guidelines, 2015. Collection method: clinical testing. Allele origin: germline. Inheritance: Autosomal dominant inheritance. Observed: 7 variant alleles, 7 heterozygotes.
Comment: This missense variant replaces asparagine with serine at codon 187 of the TSC2 protein. Computational prediction suggests that this variant may have deleterious impact on protein structure and function (internally defined REVEL score threshold >= 0.7, PMID: 27666373). To our knowledge, functional studies have not been reported for this variant. This variant has not been reported in individuals affected with tuberous sclerosis complex in the literature. This variant has been identified in 5/251496 chromosomes in the general population by the Genome Aggregation Database (gnomAD). The available evidence is insufficient to determine the role of this variant in disease conclusively. Therefore, this variant is classified as a Variant of Uncertain Significance.

This study involves interpretation of variants in research participants for the purpose of population health screening. Participant phenotype was not available at the time of variant classification. Additional details can be found in publication PMID: 35346344, PMCID: PMC8962531

Athena Diagnostics
Classification: Uncertain significance. Last evaluated: 2024-01-19. Review status: criteria provided, single submitter. Criteria: Athena Diagnostics Criteria. Collection method: clinical testing. Allele origin: unknown.
Comment: Available data are insufficient to determine the clinical significance of the variant at this time. The frequency of this variant in the general population is uninformative in assessment of its pathogenicity. This variant has been seen where an alternate explanation for disease was also identified, suggesting this variant may not cause disease. Computational tools predict that this variant is damaging. The variant is located in a region that is considered important for protein function and/or structure.

Ambry Genetics
Classification: Likely benign for Hereditary cancer-predisposing syndrome. Last evaluated: 2022-06-17. Review status: criteria provided, single submitter. Criteria: Ambry Variant Classification Scheme 2023. Collection method: clinical testing. Allele origin: germline.

Genome-Nilou Lab
Classification: Uncertain significance for Tuberous sclerosis 2. Last evaluated: 2021-11-07. Review status: criteria provided, single submitter. Criteria: ACMG Guidelines, 2015. Collection method: clinical testing. Allele origin: germline. Affected: no.

GeneDx
Classification: Uncertain significance. Last evaluated: 2018-11-20. Review status: criteria provided, single submitter. Criteria: GeneDx Variant Classification (06012015). Collection method: clinical testing. Allele origin: germline. Affected: yes.
Comment: This variant is denoted TSC2 c.560A>G at the cDNA level, p.Asn187Ser (N187S) at the protein level, and results in the change of an Asparagine to a Serine (AAT>AGT). This variant has not, to our knowledge, been published in the literature as a pathogenic or benign germline variant. TSC2 Asn187Ser was not observed at a significant allele frequency in large population cohorts (Lek 2016). This variant is located within the TSC1 binding domain (Huang 2008). In-silico analysis, which includes protein predictors and evolutionary conservation, supports a deleterious effect. Based on currently available evidence, it is unclear whether TSC2 Asn187Ser is pathogenic or benign. We consider it to be a variant of uncertain significance.

Fulgent Genetics
Classification: Uncertain significance for Lymphangiomyomatosis; Isolated focal cortical dysplasia type II; Tuberous sclerosis 2. Last evaluated: 2018-10-31. Review status: criteria provided, single submitter. Criteria: ACMG Guidelines, 2015. Collection method: clinical testing. Allele origin: unknown.

Literature cited by the submitters: PubMed 31721781 (cited by Quest Diagnostics Nichols Institute San Juan Capistrano and Athena Diagnostics).

NM_000548.5(TSC2):c.560A>G (p.Asn187Ser)

Gene: TSC2 (TSC complex subunit 2; plus strand). Cytogenetic location: 16p13.3.
Variant type: single nucleotide variant.
Coding change: c.560A>G on transcript NM_000548.5 (MANE Select); coding-DNA position 560, A replaced by G.
Protein change: p.Asn187Ser; replaces asparagine 187 with serine.
Molecular consequence: missense variant. On other transcripts: intron variant (1).
Genome position (GRCh38, 1-based): chr16:2,055,480, A>G. VCF-style: chr16-2055480-A-G. GRCh37 (hg19) VCF-style: chr16-2105481-A-G.
Other names: p.N187S:AAT>AGT; c.560A>G, p.Asn187Ser (NM_001077183.3, NM_001114382.3, NM_001363528.2 and 3 more transcripts); c.449A>G, p.Asn150Ser (NM_001318827.2); c.413A>G, p.Asn138Ser (NM_001318829.2); c.593A>G, p.Asn198Ser (NM_001318832.2); c.-1-716A>G (NM_001318831.2); c.560A>G (NM_000548.4); short protein forms N187S, N138S, N150S, N198S.
Identifiers: ClinVar variation 184186 (VCV000184186.25), dbSNP rs45505405, ClinGen allele CA022534.